The following is an entry in ClinVar:

ClinVar aggregate classification (germline): Uncertain significance. Review status: criteria provided, multiple submitters, no conflicts (2 of 4 stars). 4 submissions from 4 submitters: Uncertain significance (4). Last evaluated 2025-10-18.

Conditions:
Duane-radial ray syndrome (DRRS). Also called: Duane-Radial Ray Syndrome/Okihiro Syndrome; Okihiro Syndrome; ACRORENOOCULAR SYNDROME; DR SYNDROME; DUANE ANOMALY WITH RADIAL RAY ABNORMALITIES AND DEAFNESS; Duane-Radial Ray Syndrome (DRRS) / Okihiro Syndrome. Identifiers: Orphanet 93293, Orphanet 959, MedGen C1623209, MONDO:0011812, OMIM 607323. Disease mechanism: gain of function.
Oculootoradial syndrome (IVIC). Also called: RADIAL RAY DEFECTS, HEARING IMPAIRMENT, EXTERNAL OPHTHALMOPLEGIA, AND THROMBOCYTOPENIA; IVIC syndrome. Identifiers: Orphanet 2307, MedGen C1327918, MONDO:0007836, OMIM 147750.
Inborn genetic diseases. Identifiers: MedGen C0950123, MeSH D030342.

gnomAD v4.1: 10 of 1,614,046 alleles (0.00062%); highest among the groups gnomAD compares: Middle Eastern, 0.033%; no homozygotes.

Submissions (4):

Labcorp Genetics (formerly Invitae), Labcorp
Classification: Uncertain significance for Duane-radial ray syndrome. Last evaluated: 2025-10-18. Review status: criteria provided, single submitter. Criteria: Invitae Variant Classification Sherloc (09022015). Collection method: clinical testing. Allele origin: germline.
Comment: This sequence change replaces alanine, which is neutral and non-polar, with glycine, which is neutral and non-polar, at codon 906 of the SALL4 protein (p.Ala906Gly). This variant is not present in population databases (gnomAD no frequency). This variant has not been reported in the literature in individuals affected with SALL4-related conditions. ClinVar contains an entry for this variant (Variation ID: 3587332). An algorithm developed to predict the effect of missense changes on protein structure and function (PolyPhen-2) suggests that this variant is likely to be disruptive. In summary, the available evidence is currently insufficient to determine the role of this variant in disease. Therefore, it has been classified as a Variant of Uncertain Significance.

Ambry Genetics
Classification: Uncertain significance for Inborn genetic diseases. Last evaluated: 2025-06-12. Review status: criteria provided, single submitter. Criteria: Ambry Variant Classification Scheme 2023. Collection method: clinical testing. Allele origin: germline.

Fulgent Genetics
Classification: Uncertain significance for Oculootoradial syndrome; Duane-radial ray syndrome. Last evaluated: 2024-02-27. Review status: criteria provided, single submitter. Criteria: ACMG Guidelines, 2015. Collection method: clinical testing. Allele origin: germline.

Blueprint Genetics
Classification: Uncertain significance. Last evaluated: 2023-08-23. Review status: criteria provided, single submitter. Criteria: ACMG Guidelines, 2015. Collection method: clinical testing. Allele origin: germline.

NM_020436.5(SALL4):c.2717C>G (p.Ala906Gly)

Gene: SALL4 (spalt like transcription factor 4; minus strand). Cytogenetic location: 20q13.2.
Variant type: single nucleotide variant.
Coding change: c.2717C>G on transcript NM_020436.5 (MANE Select); coding-DNA position 2717, C replaced by G.
Protein change: p.Ala906Gly; replaces alanine 906 with glycine.
Molecular consequence: missense variant.
Genome position (GRCh38, 1-based): chr20:51,788,886, G>C on the plus strand (C>G on the coding strand, the complement: SALL4 is on the minus strand). VCF-style: chr20-51788886-G-C. GRCh37 (hg19) VCF-style: chr20-50405425-G-C.
Other names: c.1406C>G, p.Ala469Gly (NM_001318031.2); short protein forms A469G, A906G.
Identifiers: ClinVar variation 3587332 (VCV003587332.4).
Genomic context (GRCh38, chr20:51,788,886, plus strand): 5'-AGCCCCCATCCTGCTGAAAGCCCACACAAACCCACCTTTAAGTTGCCTTTGGTGGTAAAA[G>C]CTCGCCCACAAATGTTGCACACAAAAGGCTTCTCTCCAGTGTGAGTCCGCTCGTGGATCT-3'
Protein context (NP_065169.1, residues 896-916): KPFVCNICGR[Ala906Gly]FTTKGNLKVH